The following is an entry in ClinVar:

ClinVar aggregate classification (germline): Uncertain significance (1 of 4 stars; one submission).

Conditions:
Brugada syndrome. Also called: Sudden Unexplained Death Syndrome; Sudden Unexplained Nocturnal Death Syndrome (SUNDS); Sudden unexplained nocturnal death syndrome; Sudden unexpected nocturnal death syndrome. Identifiers: Orphanet 130, MedGen C1142166, MONDO:0015263.

Submission:

Labcorp Genetics (formerly Invitae), Labcorp
Classification: Uncertain significance for Brugada syndrome. Last evaluated: 2022-05-31. Review status: criteria provided, single submitter. Criteria: Invitae Variant Classification Sherloc (09022015). Collection method: clinical testing. Allele origin: germline.
Comment: This variant has not been reported in the literature in individuals affected with SCN10A-related conditions. Algorithms developed to predict the effect of sequence changes on RNA splicing suggest that this variant may disrupt the consensus splice site. In summary, the available evidence is currently insufficient to determine the role of this variant in disease. Therefore, it has been classified as a Variant of Uncertain Significance. This variant is not present in population databases (gnomAD no frequency). This sequence change creates a premature translational stop signal (p.Ser894Ilefs*4) in the SCN10A gene. It is expected to result in an absent or disrupted protein product. However, the current clinical and genetic evidence is not sufficient to establish whether loss-of-function variants in SCN10A cause disease.

NM_006514.4(SCN10A):c.2680_2681insTTATACTCTAAGTTTTAGGGTACAT (p.Ser894delinsIleIleLeuTer)

Gene: SCN10A (sodium voltage-gated channel alpha subunit 10; minus strand). Cytogenetic location: 3p22.2.
Variant type: Insertion.
Coding change: c.2680_2681insTTATACTCTAAGTTTTAGGGTACAT on transcript NM_006514.4 (MANE Select); coding-DNA positions 2680 to 2681, TTATACTCTAAGTTTTAGGGTACAT inserted.
Protein change: p.Ser894delinsIleIleLeuTer.
Molecular consequence: nonsense.
Genome position: GRCh38 VCF-style: chr3-38727012-C-CATGTACCCTAAAACTTAGAGTATAA. GRCh37 (hg19) VCF-style: chr3-38768503-C-CATGTACCCTAAAACTTAGAGTATAA.
Other names: c.2680_2681insTTATACTCTAAGTTTTAGGGTACAT, p.Ser894delinsIleIleLeuTer (NM_001293306.2); c.2386_2387insTTATACTCTAAGTTTTAGGGTACAT, p.Ser796delinsIleIleLeuTer (NM_001293307.2).
Identifiers: ClinVar variation 2001324 (VCV002001324.4), dbSNP rs2470673520, ClinGen allele CA2580069769.
Genomic context (GRCh38, chr3:38,727,012, plus strand): 5'-AGGGCCACCTGCAGGTTGTTCACCTCCCCATCGTCCTCCGGGGCTGTGAGGTTGTCAGCA[C>CATGTACCCTAAAACTTAGAGTATAA]TGAAAGAGTTCAATAGCAGGGCGATGAACAGGTTAAGCACCTGAAGAGAAGGAATGGAAG-3'